The following is an entry in ClinVar:

NM_024675.4(PALB2):c.256A>C (p.Thr86Pro)

Gene: PALB2 (partner and localizer of BRCA2; minus strand). Cytogenetic location: 16p12.2.
Variant type: single nucleotide variant.
Coding change: c.256A>C on transcript NM_024675.4 (MANE Select); coding-DNA position 256, A replaced by C.
Protein change: p.Thr86Pro; replaces threonine 86 with proline.
Molecular consequence: missense variant. On other transcripts: 5 prime UTR variant (8), intron variant (3).
Genome position (GRCh38, 1-based): chr16:23,636,290, T>G on the plus strand (A>C on the coding strand, the complement: PALB2 is on the minus strand). VCF-style: chr16-23636290-T-G. GRCh37 (hg19) VCF-style: chr16-23647611-T-G.
Other names: c.196A>C, p.Thr66Pro (NM_001407296.1); c.256A>C, p.Thr86Pro (NM_001407297.1, NM_001407298.1, NM_001407299.1 and 3 more transcripts); c.-630A>C (NM_001407304.1, NM_001407305.1, NM_001407306.1 and 5 more transcripts); c.48+4820A>C (NM_001407314.1); c.-105+4820A>C (NM_001407313.1, NM_001407312.1); short protein forms T86P, T66P.
Identifiers: ClinVar variation 3008608 (VCV003008608.3), dbSNP rs2142447541, ClinGen allele CA395138893.

ClinVar aggregate classification (germline): Uncertain significance (1 of 4 stars; one submission).

Conditions:
Familial cancer of breast. Also called: hereditary breast carcinoma; Hereditary breast cancer; BREAST CANCER, FAMILIAL. Identifiers: Orphanet 227535, MedGen C0346153, MONDO:0016419, OMIM 114480. Disease mechanism: loss of function.

Submission:

Labcorp Genetics (formerly Invitae), Labcorp
Classification: Uncertain significance for Familial cancer of breast. Last evaluated: 2025-07-02. Review status: criteria provided, single submitter. Criteria: Invitae Variant Classification Sherloc (09022015). Collection method: clinical testing. Allele origin: germline.
Comment: This sequence change replaces threonine, which is neutral and polar, with proline, which is neutral and non-polar, at codon 86 of the PALB2 protein (p.Thr86Pro). This variant is not present in population databases (gnomAD no frequency). This variant has not been reported in the literature in individuals affected with PALB2-related conditions. ClinVar contains an entry for this variant (Variation ID: 3008608). An algorithm developed to predict the effect of missense changes on protein structure and function (PolyPhen-2) suggests that this variant is likely to be disruptive. In summary, the available evidence is currently insufficient to determine the role of this variant in disease. Therefore, it has been classified as a Variant of Uncertain Significance.